The following is an entry in ClinVar:

ClinVar aggregate classification (germline): Uncertain significance (1 of 4 stars; one submission).

Allele frequency attached by ClinVar (database versions not stated): gnomAD exomes below 0.00001; TOPMed below 0.00001.

Submission:

Labcorp Genetics (formerly Invitae), Labcorp
Classification: Uncertain significance. Last evaluated: 2024-10-23. Review status: criteria provided, single submitter. Criteria: Invitae Variant Classification Sherloc (09022015). Collection method: clinical testing. Allele origin: germline.
Comment: This sequence change falls in intron 26 of the FBN3 gene. It does not directly change the encoded amino acid sequence of the FBN3 protein. It affects a nucleotide within the consensus splice site. This variant is not present in population databases (gnomAD no frequency). This variant has not been reported in the literature in individuals affected with FBN3-related conditions. Variants that disrupt the consensus splice site are a relatively common cause of aberrant splicing (PMID: 17576681, 9536098). Algorithms developed to predict the effect of sequence changes on RNA splicing suggest that this variant may disrupt the consensus splice site. In summary, the available evidence is currently insufficient to determine the role of this variant in disease. Therefore, it has been classified as a Variant of Uncertain Significance.

Literature cited by the submitters: PubMed 17576681; PubMed 9536098.

NM_032447.5(FBN3):c.3337+3_3337+4del

Gene: FBN3 (fibrillin 3; minus strand). Cytogenetic location: 19p13.2.
Variant type: Deletion.
Coding change: c.3337+3_3337+4del on transcript NM_032447.5 (MANE Select); bases 3 to 4 of the intron after coding-DNA position 3337, 2 bases deleted (AA; older notation c.3337+3_3337+4delAA).
Molecular consequence: intron variant.
Genome position (GRCh38, 1-based): chr19:8,118,893-8,118,894, TT deleted on the plus strand (AA on the coding strand, the reverse complement: FBN3 is on the minus strand). VCF-style (leftmost placement, unchanged base first): chr19-8118892-CTT-C. GRCh37 (hg19) VCF-style: chr19-8183776-CTT-C.
Other names: c.3337+3_3337+4del (NM_001321431.2).
Identifiers: ClinVar variation 2849978 (VCV002849978.3), dbSNP rs2082772370, ClinGen allele CA2321260231.